The following is an entry in ClinVar:

ClinVar aggregate classification (germline): Uncertain significance (1 of 4 stars; one submission).

Conditions:
Renal cell carcinoma. Identifiers: Orphanet 217071, MedGen C0007134, MeSH D002292, MONDO:0005086, HP:0005584.

gnomAD v4.1: 1 of 1,614,066 alleles (0.000062%); highest among the groups gnomAD compares: South Asian, 0.0011%; no homozygotes.

Submission:

Labcorp Genetics (formerly Invitae), Labcorp
Classification: Uncertain significance for Renal cell carcinoma. Last evaluated: 2025-04-02. Review status: criteria provided, single submitter. Criteria: Invitae Variant Classification Sherloc (09022015). Collection method: clinical testing. Allele origin: germline.
Comment: This sequence change replaces arginine, which is basic and polar, with serine, which is neutral and polar, at codon 280 of the MET protein (p.Arg280Ser). This variant is not present in population databases (gnomAD no frequency). This variant has not been reported in the literature in individuals affected with MET-related conditions. Invitae Evidence Modeling of protein sequence and biophysical properties (such as structural, functional, and spatial information, amino acid conservation, physicochemical variation, residue mobility, and thermodynamic stability) indicates that this missense variant is expected to disrupt MET protein function with a positive predictive value of 80%. In summary, the available evidence is currently insufficient to determine the role of this variant in disease. Therefore, it has been classified as a Variant of Uncertain Significance.

NM_000245.4(MET):c.840G>C (p.Arg280Ser)

Gene: MET (MET proto-oncogene, receptor tyrosine kinase; plus strand). Cytogenetic location: 7q31.2.
Variant type: single nucleotide variant.
Coding change: c.840G>C on transcript NM_000245.4 (MANE Select); coding-DNA position 840, G replaced by C.
Protein change: p.Arg280Ser; replaces arginine 280 with serine.
Molecular consequence: missense variant. On other transcripts: intron variant (1).
Genome position (GRCh38, 1-based): chr7:116,699,924, G>C. VCF-style: chr7-116699924-G-C. GRCh37 (hg19) VCF-style: chr7-116339978-G-C.
Other names: c.840G>C, p.Arg280Ser (NM_001127500.3, NM_001324401.3); c.-91+27347G>C (NM_001324402.2); short protein forms R280S.
Identifiers: ClinVar variation 4741061 (VCV004741061.1).
Genomic context (GRCh38, chr7:116,699,924, plus strand): 5'-CTTCTTGACGGTCCAAAGGGAAACTCTAGATGCTCAGACTTTTCACACAAGAATAATCAG[G>C]TTCTGTTCCATAAACTCTGGATTGCATTCCTACATGGAAATGCCTCTGGAGTGTATTCTC-3'
Protein context (NP_000236.2, residues 270-290): DAQTFHTRII[Arg280Ser]FCSINSGLHS